The following is an entry in ClinVar:

NM_017780.4(CHD7):c.718del (p.Gln240fs)

Gene: CHD7 (chromodomain helicase DNA binding protein 7; plus strand). Cytogenetic location: 8q12.2.
Variant type: Deletion.
Coding change: c.718del on transcript NM_017780.4 (MANE Select); coding-DNA position 718, one base deleted (C; older notation c.718delC).
Protein change: p.Gln240fs; shifts the reading frame from glutamine 240.
Molecular consequence: frameshift variant.
Genome position (GRCh38, 1-based): chr8:60,742,150, C deleted; the last of 4 consecutive C bases (chr8:60,742,147-60,742,150); deleting any one gives the same sequence. VCF-style (leftmost placement, unchanged base first): chr8-60742146-GC-G. GRCh37 (hg19) VCF-style: chr8-61654705-GC-G.
Other names: c.718del, p.Gln240fs (NM_001316690.1); short protein forms Q240fs.
Identifiers: ClinVar variation 574274 (VCV000574274.8), dbSNP rs1563560493, ClinGen allele CA891843122.

ClinVar aggregate classification (germline): Pathogenic (1 of 4 stars; one submission).

Conditions:
CHARGE syndrome (CHARGE). Also called: Hittner Hirsch Kreh syndrome; Coloboma, heart anomaly, choanal atresia, retardation, genital and ear anomalies; CHARGE association; Hall-Hittner syndrome; CHARGE ASSOCIATION--COLOBOMA, HEART ANOMALY, CHOANAL ATRESIA, RETARDATION, GENITAL AND EAR ANOMALIES. Identifiers: Orphanet 138, MedGen C0265354, MONDO:0008965.

Submission:

Labcorp Genetics (formerly Invitae), Labcorp
Classification: Pathogenic for CHARGE syndrome. Last evaluated: 2018-05-12. Review status: criteria provided, single submitter. Criteria: Invitae Variant Classification Sherloc (09022015). Collection method: clinical testing. Allele origin: germline.
Comment: For these reasons, this variant has been classified as Pathogenic. Loss-of-function variants in CHD7 are known to be pathogenic (PMID: 22461308, 25077900). This variant has been observed in an individual affected with CHARGE syndrome (PMID: 22461308). This variant is not present in population databases (ExAC no frequency). This sequence change creates a premature translational stop signal (p.Gln240Serfs*65) in the CHD7 gene. It is expected to result in an absent or disrupted protein product.

Literature cited by the submitters: PubMed 22461308; PubMed 25077900.